The following is an entry in ClinVar:

ClinVar aggregate classification (germline): Uncertain significance. Review status: criteria provided, multiple submitters, no conflicts (2 of 4 stars). 3 submissions from 3 submitters: Uncertain significance (3). Last evaluated 2023-06-02.

Conditions:
Nephrotic syndrome, type 3 (NPHS3). Also called: NEPHROTIC SYNDROME, EARLY-ONSET, TYPE 3. Identifiers: Orphanet 656, MedGen C1853124, MONDO:0012546, OMIM 610725.

Allele frequency attached by ClinVar (database versions not stated): gnomAD below 0.00001 and 0.00004; 1000 Genomes Project 0.00060; 1000 Genomes Project 30x 0.00062.
gnomAD v4.1: 66 of 1,609,546 alleles (0.0041%); highest among the groups gnomAD compares: South Asian, 0.062%; no homozygotes.

Submissions (3):

Neuberg Centre For Genomic Medicine, NCGM
Classification: Uncertain significance for Nephrotic syndrome, type 3. Last evaluated: 2023-06-02. Review status: criteria provided, single submitter. Criteria: ACMG Guidelines, 2015. Collection method: clinical testing. Allele origin: germline. Inheritance: Autosomal recessive inheritance. Affected: yes.
Comment: The observed missense c.1081T>C (p.Trp361Arg) variant in PLCE1 gene has not been reported previously as a pathogenic variant nor as a benign variant, to our knowledge. The p.Trp361Arg variant is present with allele frequency of 0.02% in gnomAD Exomes. This variant has been submitted to the ClinVar database as Uncertain Significance. Computational evidence (Polyphen - Benign, SIFT - Damaging and MutationTaster - Polymorphism) predicts conflicting evidence on protein structure and function for this variant. The reference amino acid of p.Trp361Arg in PLCE1 is predicted as conserved by GERP++ and PhyloP across 100 vertebrates. The amino acid Trp at position 361 is changed to a Arg changing protein sequence and it might alter its composition and physico-chemical properties. For these reasons, this variant has been classified as a Variant of Uncertain Significance (VUS). In absence of another reportable variant in PLCE1 gene, the molecular diagnosis is not confirmed.

Fulgent Genetics
Classification: Uncertain significance for Nephrotic syndrome, type 3. Last evaluated: 2022-03-30. Review status: criteria provided, single submitter. Criteria: ACMG Guidelines, 2015. Collection method: clinical testing. Allele origin: unknown.

Illumina Laboratory Services, Illumina
Classification: Uncertain significance for Nephrotic syndrome, type 3. Last evaluated: 2018-01-13. Review status: criteria provided, single submitter. Criteria: ICSL Variant Classification Criteria 13 December 2019. Collection method: clinical testing. Allele origin: germline.

NM_016341.4(PLCE1):c.1081T>C (p.Trp361Arg)

Gene: PLCE1 (phospholipase C epsilon 1; plus strand). Cytogenetic location: 10q23.33.
Variant type: single nucleotide variant.
Coding change: c.1081T>C on transcript NM_016341.4 (MANE Select); coding-DNA position 1081, T replaced by C.
Protein change: p.Trp361Arg; replaces tryptophan 361 with arginine.
Molecular consequence: missense variant.
Genome position (GRCh38, 1-based): chr10:94,032,127, T>C. VCF-style: chr10-94032127-T-C. GRCh37 (hg19) VCF-style: chr10-95791884-T-C.
Other names: c.1081T>C, p.Trp361Arg (NM_001288989.2); short protein forms W361R.
Identifiers: ClinVar variation 880458 (VCV000880458.8), dbSNP rs564879389, ClinGen allele CA5612221.